The following is an entry in ClinVar:

NM_000540.3(RYR1):c.13999-19G>A

Gene: RYR1 (ryanodine receptor 1; plus strand). Cytogenetic location: 19q13.2.
Variant type: single nucleotide variant.
Coding change: c.13999-19G>A on transcript NM_000540.3 (MANE Select); 19 bases into the intron before coding-DNA position 13999, G replaced by A.
Molecular consequence: intron variant.
Genome position (GRCh38, 1-based): chr19:38,573,158, G>A. VCF-style: chr19-38573158-G-A. GRCh37 (hg19) VCF-style: chr19-39063798-G-A.
Other names: c.13984-19G>A (NM_001042723.2).
Identifiers: ClinVar variation 590444 (VCV000590444.11), dbSNP rs775494152, ClinGen allele CA060730.
Genomic context (GRCh38, chr19:38,573,158, plus strand): 5'-AAGATGTCATGGCTTCTGCTGAGACTATGGTCCAGCCAAGGTGCCTGACGCCCACCTTTG[G>A]CCTCCTCCCACTATCCAGGTGCCCCTGGTAATCTTTAAGCGGGAGAAGGAGCTGGCCCGG-3'

ClinVar aggregate classification (germline): Likely benign. Review status: criteria provided, multiple submitters, no conflicts (2 of 4 stars). 3 submissions from 3 submitters: Likely benign (3). Last evaluated 2026-01-11.

Conditions:
RYR1-related disorder. Also called: RYR1-related condition; RYR1-related disorders. Identifiers: MedGen CN239331.

Allele frequency attached by ClinVar (database versions not stated): ExAC 0.00002; gnomAD exomes 0.00003 and 0.00006; gnomAD 0.00042 and 0.00050; TOPMed 0.00103.
gnomAD v4.1: 121 of 1,613,312 alleles (0.0075%); highest among the groups gnomAD compares: Admixed American, 0.15%; 1 homozygote.

Submissions (3):

Labcorp Genetics (formerly Invitae), Labcorp
Classification: Likely benign for RYR1-related disorder. Last evaluated: 2026-01-11. Review status: criteria provided, single submitter. Criteria: Invitae Variant Classification Sherloc (09022015). Collection method: clinical testing. Allele origin: germline.

PreventionGenetics, part of Exact Sciences
Classification: Likely benign for RYR1-related condition. Last evaluated: 2024-11-22. Review status: criteria provided, single submitter. Criteria: ACMG Guidelines, 2015. Collection method: clinical testing. Allele origin: germline.
Comment: This variant is classified as likely benign based on ACMG/AMP sequence variant interpretation guidelines (Richards et al. 2015 PMID: 25741868, with internal and published modifications).

Blueprint Genetics
Classification: Likely benign. Last evaluated: 2021-01-21. Review status: criteria provided, single submitter. Criteria: ACMG Guidelines, 2015. Collection method: clinical testing. Allele origin: germline.